The following is an entry in ClinVar:

NM_001394998.1(TANC2):c.184G>A (p.Ala62Thr)

Gene: TANC2 (tetratricopeptide repeat, ankyrin repeat and coiled-coil containing 2; plus strand). Cytogenetic location: 17q23.2.
Variant type: single nucleotide variant.
Coding change: c.184G>A on transcript NM_001394998.1 (MANE Select); coding-DNA position 184, G replaced by A.
Protein change: p.Ala62Thr; replaces alanine 62 with threonine.
Molecular consequence: missense variant.
Genome position (GRCh38, 1-based): chr17:63,099,219, G>A. VCF-style: chr17-63099219-G-A. GRCh37 (hg19) VCF-style: chr17-61176580-G-A.
Other names: c.184G>A, p.Ala62Thr (NM_025185.4); short protein forms A62T.
Identifiers: ClinVar variation 1335290 (VCV001335290.35), dbSNP rs377328939, ClinGen allele CA8697318.

ClinVar aggregate classification (germline): Likely benign (1 of 4 stars; one submission).

Allele frequency attached by ClinVar (database versions not stated): gnomAD 0.00002 and 0.00003; gnomAD exomes 0.00003; ExAC 0.00004; TOPMed 0.00006; ESP Exome Variant Server 0.00008.
gnomAD v4.1: 38 of 1,599,442 alleles (0.0024%); highest among the groups gnomAD compares: East Asian, 0.0045%; no homozygotes.

Submission:

CeGaT Center for Human Genetics Tuebingen
Classification: Likely benign. Last evaluated: 2026-04-01. Review status: criteria provided, single submitter. Criteria: CeGaT Center For Human Genetics Tuebingen Variant Classification Criteria Version 2. Collection method: clinical testing. Allele origin: germline. Affected: yes. Observed: 4 variant alleles.
Comment: TANC2: BS1